The following is an entry in ClinVar:

NM_015141.4(GPD1L):c.41G>A (p.Gly14Glu)

Genes: GPD1L (glycerol-3-phosphate dehydrogenase 1 like; plus strand), LOC129936414 (ATAC-STARR-seq lymphoblastoid silent region 14165; plus strand). Cytogenetic location: 3p22.3.
Variant type: single nucleotide variant.
Coding change: c.41G>A on transcript NM_015141.4 (MANE Select); coding-DNA position 41, G replaced by A.
Protein change: p.Gly14Glu; replaces glycine 14 with glutamic acid.
Molecular consequence: missense variant.
Genome position (GRCh38, 1-based): chr3:32,106,752, G>A. VCF-style: chr3-32106752-G-A. GRCh37 (hg19) VCF-style: chr3-32148244-G-A.
Other names: short protein forms G14E.
Identifiers: ClinVar variation 971575 (VCV000971575.7), dbSNP rs1700170976, ClinGen allele CA351970275.

ClinVar aggregate classification (germline): Uncertain significance (1 of 4 stars; one submission).

Conditions:
Brugada syndrome. Also called: Sudden unexplained nocturnal death syndrome; Sudden unexpected nocturnal death syndrome; Sudden Unexplained Death Syndrome; Sudden Unexplained Nocturnal Death Syndrome (SUNDS). Identifiers: Orphanet 130, MedGen C1142166, MONDO:0015263.

Submission:

Labcorp Genetics (formerly Invitae), Labcorp
Classification: Uncertain significance for Brugada syndrome. Last evaluated: 2022-01-12. Review status: criteria provided, single submitter. Criteria: Invitae Variant Classification Sherloc (09022015). Collection method: clinical testing. Allele origin: germline.
Comment: ClinVar contains an entry for this variant (Variation ID: 971575). Algorithms developed to predict the effect of missense changes on protein structure and function (SIFT, PolyPhen-2, Align-GVGD) all suggest that this variant is likely to be tolerated. In summary, the available evidence is currently insufficient to determine the role of this variant in disease. Therefore, it has been classified as a Variant of Uncertain Significance. This variant has not been reported in the literature in individuals affected with GPD1L-related conditions. This sequence change replaces glycine, which is neutral and non-polar, with glutamic acid, which is acidic and polar, at codon 14 of the GPD1L protein (p.Gly14Glu). This variant is not present in population databases (gnomAD no frequency).